The following is an entry in ClinVar:

ClinVar aggregate classification (germline): Uncertain significance (1 of 4 stars; one submission).

Submission:

GeneDx
Classification: Uncertain significance. Last evaluated: 2024-08-17. Review status: criteria provided, single submitter. Criteria: GeneDx Variant Classification Process June 2021. Collection method: clinical testing. Allele origin: germline. Affected: yes.
Comment: Not observed at significant frequency in large population cohorts (gnomAD); In silico analysis indicates that this missense variant does not alter protein structure/function; Has not been previously published as pathogenic or benign to our knowledge

NM_032217.5(ANKRD17):c.3101C>T (p.Ala1034Val)

Gene: ANKRD17 (ankyrin repeat domain 17; minus strand). Cytogenetic location: 4q13.3.
Variant type: single nucleotide variant.
Coding change: c.3101C>T on transcript NM_032217.5 (MANE Select); coding-DNA position 3101, C replaced by T.
Protein change: p.Ala1034Val; replaces alanine 1034 with valine.
Molecular consequence: missense variant.
Genome position (GRCh38, 1-based): chr4:73,135,250, G>A on the plus strand (C>T on the coding strand, the complement: ANKRD17 is on the minus strand). VCF-style: chr4-73135250-G-A. GRCh37 (hg19) VCF-style: chr4-74000967-G-A.
Other names: c.2762C>T, p.Ala921Val (NM_001286771.3); c.3098C>T, p.Ala1033Val (NM_015574.2); c.2348C>T, p.Ala783Val (NM_198889.3); short protein forms A921V, A1033V, A1034V, A783V.
Identifiers: ClinVar variation 3731118 (VCV003731118.1).